The following is an entry in ClinVar:

NM_001031685.3(TP53BP2):c.2703C>T (p.Thr901=)

Gene: TP53BP2 (tumor protein p53 binding protein 2; minus strand). Cytogenetic location: 1q41.
Variant type: single nucleotide variant.
Coding change: c.2703C>T on transcript NM_001031685.3 (MANE Select); coding-DNA position 2703, C replaced by T.
Protein change: p.Thr901=; no amino-acid change (threonine 901 retained).
Molecular consequence: synonymous variant.
Genome position (GRCh38, 1-based): chr1:223,795,836, G>A on the plus strand (C>T on the coding strand, the complement: TP53BP2 is on the minus strand). VCF-style: chr1-223795836-G-A. GRCh37 (hg19) VCF-style: chr1-223983538-G-A.
Other names: c.2316C>T, p.Thr772= (NM_005426.3).
Identifiers: ClinVar variation 3041173 (VCV003041173.2), dbSNP rs146024936, ClinGen allele CA1412584.

ClinVar aggregate classification (germline): Benign (0 of 4 stars; one submission).

Conditions:
TP53BP2-related disorder. Also called: TP53BP2-related condition.

Allele frequency attached by ClinVar (database versions not stated): 1000 Genomes Project 0.00040; ESP Exome Variant Server 0.00092; gnomAD 0.00096; TOPMed 0.00119; 1000 Genomes Project 30x 0.00031.
gnomAD v4.1: 1,205 of 1,555,114 alleles (0.077%); highest among the groups gnomAD compares: Admixed American, 0.25%; 7 homozygotes.

Submission:

PreventionGenetics, part of Exact Sciences
Classification: Benign for TP53BP2-related condition. Last evaluated: 2019-06-12. Review status: no assertion criteria provided. Collection method: clinical testing. Allele origin: germline.
Comment: This variant is classified as benign based on ACMG/AMP sequence variant interpretation guidelines (Richards et al. 2015 PMID: 25741868, with internal and published modifications).